The following is an entry in ClinVar:

NM_000059.4(BRCA2):c.6690_6691insTA (p.Ala2231Ter)

Gene: BRCA2 (BRCA2 DNA repair associated; plus strand). Cytogenetic location: 13q13.1.
Variant type: Insertion.
Coding change: c.6690_6691insTA on transcript NM_000059.4 (MANE Select); coding-DNA positions 6690 to 6691, TA inserted.
Protein change: p.Ala2231Ter; replaces alanine 2231 with a stop codon.
Molecular consequence: nonsense. On other transcripts: non-coding transcript variant (1), intron variant (2).
Genome position: GRCh38 VCF-style: chr13-32341045-T-TTA. GRCh37 (hg19) VCF-style: chr13-32915182-T-TTA.
Other names: c.6690_6691insTA, p.Ala2231Ter (NM_001406719.1, NM_001406720.1, NM_001432077.1); c.1910-3513_1910-3512insTA (NM_001406721.1); c.425-3513_425-3512insTA (NM_001406722.1); short protein forms A2231*.
Identifiers: ClinVar variation 3650320 (VCV003650320.2).

ClinVar aggregate classification (germline): Pathogenic (1 of 4 stars; one submission).

Conditions:
Hereditary breast ovarian cancer syndrome. Also called: Hereditary breast and ovarian cancer syndrome (HBOC); Hereditary breast and ovarian cancer; BRCA1- and BRCA2-Associated Hereditary Breast and Ovarian Cancer; Hereditary breast and ovarian cancer syndrome; Hereditary breast and/or ovarian cancer syndrome; Breast and ovarian cancer. Identifiers: Orphanet 145, MedGen C0677776, MeSH D061325, MONDO:0003582. Disease mechanism: loss of function.

Submission:

Labcorp Genetics (formerly Invitae), Labcorp
Classification: Pathogenic for Hereditary breast ovarian cancer syndrome. Last evaluated: 2024-04-18. Review status: criteria provided, single submitter. Criteria: Invitae Variant Classification Sherloc (09022015). Collection method: clinical testing. Allele origin: germline.
Comment: This sequence change creates a premature translational stop signal (p.Ala2231*) in the BRCA2 gene. It is expected to result in an absent or disrupted protein product. Loss-of-function variants in BRCA2 are known to be pathogenic (PMID: 20104584). This variant is not present in population databases (gnomAD no frequency). This variant has not been reported in the literature in individuals affected with BRCA2-related conditions. For these reasons, this variant has been classified as Pathogenic.

Literature cited by the submitters: PubMed 20104584.